The following is an entry in ClinVar:

ClinVar aggregate classification (germline): Benign. Review status: criteria provided, multiple submitters, no conflicts (2 of 4 stars). 3 submissions from 2 submitters: Benign (3). Last evaluated 2018-01-13.

Conditions:
Brugada syndrome 5 (BRGDA5). Identifiers: Orphanet 130, Orphanet 871, MedGen C2748541, MONDO:0013015, OMIM 612838.
Generalized epilepsy with febrile seizures plus, type 1 (GEFSP1). Also called: GEFS+, TYPE 1. Identifiers: Orphanet 36387, MedGen C1858672, MONDO:0011416, OMIM 604233.

Allele frequency attached by ClinVar (database versions not stated): gnomAD 0.00013 and 0.00017; gnomAD exomes 0.00031; TOPMed 0.00051; 1000 Genomes Project 30x 0.00078; ExAC 0.00108.
gnomAD v4.1: 117 of 1,011,510 alleles (0.012%); highest among the groups gnomAD compares: East Asian, 0.31%; no homozygotes.

Submissions (3):

Illumina Laboratory Services, Illumina
Classification: Benign for Brugada syndrome 5. Last evaluated: 2018-01-13. Review status: criteria provided, single submitter. Criteria: ICSL Variant Classification Criteria 13 December 2019. Collection method: clinical testing. Allele origin: germline.
Comment: This variant was observed in the ICSL laboratory as part of a predisposition screen in an ostensibly healthy population. It had not been previously curated by ICSL or reported in the Human Gene Mutation Database (HGMD: prior to June 1st, 2018), and was therefore a candidate for classification through an automated scoring system. Utilizing variant allele frequency, disease prevalence and penetrance estimates, and inheritance mode, an automated score was calculated to assess if this variant is too frequent to cause the disease. Based on the score and internal cut-off values, a variant classified as benign is not then subjected to further curation. The score for this variant resulted in a classification of benign for this disease.

Illumina Laboratory Services, Illumina
Classification: Benign for Generalized epilepsy with febrile seizures plus, type 1. Last evaluated: 2018-01-13. Review status: criteria provided, single submitter. Criteria: ICSL Variant Classification Criteria 13 December 2019. Collection method: clinical testing. Allele origin: germline.
Comment: the same text as in the submission from Illumina Laboratory Services, Illumina above.

GeneDx
Classification: Benign. Last evaluated: 2015-03-03. Review status: criteria provided, single submitter. Criteria: GeneDx Variant Classification Process June 2021. Collection method: clinical testing. Allele origin: germline. Affected: yes.

NM_001037.5(SCN1B):c.-27G>C

Gene: SCN1B (sodium voltage-gated channel beta subunit 1; plus strand). Cytogenetic location: 19q13.11.
Variant type: single nucleotide variant.
Coding change: c.-27G>C on transcript NM_001037.5 (MANE Select); 27 bases upstream of the start codon, G replaced by C.
Molecular consequence: 5 prime UTR variant.
Genome position (GRCh38, 1-based): chr19:35,030,794, G>C. VCF-style: chr19-35030794-G-C. GRCh37 (hg19) VCF-style: chr19-35521698-G-C.
Other names: c.-27G>C (NM_199037.5).
Identifiers: ClinVar variation 328833 (VCV000328833.7), dbSNP rs758958222, ClinGen allele CA9371931.